The following is an entry in ClinVar:

NM_015378.4(VPS13D):c.712G>A (p.Val238Ile)

Gene: VPS13D (vacuolar protein sorting 13 homolog D; plus strand). Cytogenetic location: 1p36.22.
Variant type: single nucleotide variant.
Coding change: c.712G>A on transcript NM_015378.4 (MANE Select); coding-DNA position 712, G replaced by A.
Protein change: p.Val238Ile; replaces valine 238 with isoleucine.
Molecular consequence: missense variant.
Genome position (GRCh38, 1-based): chr1:12,256,375, G>A. VCF-style: chr1-12256375-G-A. GRCh37 (hg19) VCF-style: chr1-12316432-G-A.
Other names: p.Val238Ile; c.712G>A, p.Val238Ile (NM_018156.4); short protein forms V238I.
Identifiers: ClinVar variation 716268 (VCV000716268.14), dbSNP rs116668522, ClinGen allele CA601305.

ClinVar aggregate classification (germline): Benign. Review status: criteria provided, multiple submitters, no conflicts (2 of 4 stars). 4 submissions from 4 submitters: Benign (3). 1 of the submissions does not count toward it. Last evaluated 2026-01-08.

Conditions:
VPS13D-related disorder. Also called: VPS13D-related condition.

Allele frequency attached by ClinVar (database versions not stated): gnomAD exomes 0.00059 and 0.00144; ExAC 0.00166; gnomAD 0.00540 and 0.00573; TOPMed 0.00607; ESP Exome Variant Server 0.00630; 1000 Genomes Project 0.00679; 1000 Genomes Project 30x 0.00718.
gnomAD v4.1: 1,711 of 1,614,044 alleles (0.11%); highest among the groups gnomAD compares: African/African-American, 1.7%; 11 homozygotes.

Submissions (4):

Labcorp Genetics (formerly Invitae), Labcorp
Classification: Benign. Last evaluated: 2026-01-08. Review status: criteria provided, single submitter. Criteria: Invitae Variant Classification Sherloc (09022015). Collection method: clinical testing. Allele origin: germline.

Mayo Clinic Laboratories, Mayo Clinic
Classification: Benign. Last evaluated: 2023-07-28. Review status: criteria provided, single submitter. Criteria: ACMG Guidelines, 2015. Collection method: clinical testing. Allele origin: germline. Observed: 9 variant alleles.
Comment: BS1, BS2, BP4

Breakthrough Genomics
Classification: Benign. Review status: criteria provided, single submitter. Criteria: ACMG Guidelines, 2015. Collection method: not provided. Allele origin: germline. Inheritance: Autosomal recessive inheritance. Affected: yes.

PreventionGenetics, part of Exact Sciences
Classification: Benign for VPS13D-related condition. Last evaluated: 2019-05-20. Review status: no assertion criteria provided. Collection method: clinical testing. Allele origin: germline. Not counted in ClinVar's aggregate classification.
Comment: This variant is classified as benign based on ACMG/AMP sequence variant interpretation guidelines (Richards et al. 2015 PMID: 25741868, with internal and published modifications).